The following is an entry in ClinVar:

NM_001386795.1(DTNA):c.2276T>C (p.Leu759Pro)

Gene: DTNA (dystrobrevin alpha; plus strand). Cytogenetic location: 18q12.1.
Variant type: single nucleotide variant.
Coding change: c.2276T>C on transcript NM_001386795.1 (MANE Select); coding-DNA position 2276, T replaced by C.
Protein change: p.Leu759Pro; replaces leucine 759 with proline.
Molecular consequence: missense variant.
Genome position (GRCh38, 1-based): chr18:34,882,182, T>C. VCF-style: chr18-34882182-T-C. GRCh37 (hg19) VCF-style: chr18-32462146-T-C.
Other names: c.2015T>C, p.Leu672Pro (NM_001198938.2, NM_001198940.2, NM_001386753.1 and 5 more transcripts); c.2036T>C, p.Leu679Pro (NM_001198939.2); c.1322T>C, p.Leu441Pro (NM_001198942.1); c.1265T>C, p.Leu422Pro (NM_001198943.1); c.1151T>C, p.Leu384Pro (NM_001198944.1); c.2105T>C, p.Leu702Pro (NM_001386754.1, NM_001386755.1, NM_001386756.1 and 3 more transcripts); c.2102T>C, p.Leu701Pro (NM_001386760.1); c.2024T>C, p.Leu675Pro (NM_001386761.1, NM_032975.4); and 5 more; short protein forms L422P, L702P, L671P, L384P, L441P, L732P, L380P, L672P.
Identifiers: ClinVar variation 1475835 (VCV001475835.8), dbSNP rs766539608, ClinGen allele CA8935974.

ClinVar aggregate classification (germline): Uncertain significance (1 of 4 stars; one submission).

Conditions:
Left ventricular noncompaction 1 (LVNC1). Also called: LEFT VENTRICULAR NONCOMPACTION 1 WITH OR WITHOUT CONGENITAL HEART DEFECTS. Identifiers: Orphanet 54260, MedGen C1858725, MONDO:0011403, OMIM 604169.

Allele frequency attached by ClinVar (database versions not stated): ExAC 0.00001; gnomAD exomes 0.00001; TOPMed 0.00001; gnomAD 0.00002.
gnomAD v4.1: 20 of 1,613,878 alleles (0.0012%); highest among the groups gnomAD compares: Non-Finnish European, 0.0017%; no homozygotes.

Submission:

Labcorp Genetics (formerly Invitae), Labcorp
Classification: Uncertain significance for Left ventricular noncompaction 1. Last evaluated: 2024-04-16. Review status: criteria provided, single submitter. Criteria: Invitae Variant Classification Sherloc (09022015). Collection method: clinical testing. Allele origin: germline.
Comment: This sequence change replaces leucine, which is neutral and non-polar, with proline, which is neutral and non-polar, at codon 732 of the DTNA protein (p.Leu732Pro). This variant is present in population databases (rs766539608, gnomAD 0.002%). This variant has not been reported in the literature in individuals affected with DTNA-related conditions. ClinVar contains an entry for this variant (Variation ID: 1475835). An algorithm developed to predict the effect of missense changes on protein structure and function (PolyPhen-2) suggests that this variant is likely to be disruptive. In summary, the available evidence is currently insufficient to determine the role of this variant in disease. Therefore, it has been classified as a Variant of Uncertain Significance.